The following is an entry in ClinVar:

NM_152564.5(VPS13B):c.3555A>G (p.Leu1185=)

Gene: VPS13B (vacuolar protein sorting 13 homolog B; plus strand). Cytogenetic location: 8q22.2.
Variant type: single nucleotide variant.
Coding change: c.3555A>G on transcript NM_152564.5 (MANE Select); coding-DNA position 3555, A replaced by G.
Protein change: p.Leu1185=; no amino-acid change (leucine 1185 retained).
Molecular consequence: synonymous variant.
Genome position (GRCh38, 1-based): chr8:99,467,523, A>G. VCF-style: chr8-99467523-A-G. GRCh37 (hg19) VCF-style: chr8-100479751-A-G.
Other names: c.3555A>G, p.Leu1185= (NM_017890.5).
Identifiers: ClinVar variation 4991025 (VCV004991025.1).
Genomic context (GRCh38, chr8:99,467,523, plus strand): 5'-CCTTCTTGGAAAACAAGTGACACTTTGCCTAGTGGAACCTATGGGTTGCACCTCCACTCT[A>G]GCTGTCACGTCTCAAAAACTGCTTGCTACGGGACCTGATACACGACATTCATTTGTTGTC-3'
Protein context (NP_689777.3, residues 1175-1195): LVEPMGCTST[Leu1185=]AVTSQKLLAT

ClinVar aggregate classification (germline): Likely benign (1 of 4 stars; one submission).

Conditions:
VPS13B-related disorder. Also called: VPS13B-related condition.

gnomAD v4.1: 1 of 1,613,782 alleles (0.000062%); highest among the groups gnomAD compares: East Asian, 0.0022%; no homozygotes.

Submission:

PreventionGenetics, part of Exact Sciences
Classification: Likely benign for VPS13B-related condition. Last evaluated: 2026-06-17. Review status: criteria provided, single submitter. Criteria: ACMG Guidelines, 2015. Collection method: clinical testing. Allele origin: germline.
Comment: This variant is classified as likely benign based on ACMG/AMP sequence variant interpretation guidelines (Richards et al. 2015 PMID: 25741868, with internal and published modifications).